The following is an entry in ClinVar:

NM_001060.6(TBXA2R):c.435G>T (p.Ser145=)

Gene: TBXA2R (thromboxane A2 receptor; minus strand). Cytogenetic location: 19p13.3.
Variant type: single nucleotide variant.
Coding change: c.435G>T on transcript NM_001060.6 (MANE Select); coding-DNA position 435, G replaced by T.
Protein change: p.Ser145=; no amino-acid change (serine 145 retained).
Molecular consequence: synonymous variant.
Genome position (GRCh38, 1-based): chr19:3,600,200, C>A on the plus strand (G>T on the coding strand, the complement: TBXA2R is on the minus strand). VCF-style: chr19-3600200-C-A. GRCh37 (hg19) VCF-style: chr19-3600198-C-A.
Other names: c.435G>T, p.Ser145= (NM_201636.3).
Identifiers: ClinVar variation 2053452 (VCV002053452.9), dbSNP rs5748, ClinGen allele CA9080853.

ClinVar aggregate classification (germline): Likely benign. Review status: criteria provided, multiple submitters, no conflicts (2 of 4 stars). 3 submissions from 3 submitters: Likely benign (3). Last evaluated 2026-03-01.

Submissions (3):

CeGaT Center for Human Genetics Tuebingen
Classification: Likely benign. Last evaluated: 2026-03-01. Review status: criteria provided, single submitter. Criteria: CeGaT Center For Human Genetics Tuebingen Variant Classification Criteria Version 2. Collection method: clinical testing. Allele origin: germline. Affected: yes. Observed: 1 variant allele.
Comment: TBXA2R: BP4, BP7

Labcorp Genetics (formerly Invitae), Labcorp
Classification: Likely benign. Last evaluated: 2025-12-21. Review status: criteria provided, single submitter. Criteria: Invitae Variant Classification Sherloc (09022015). Collection method: clinical testing. Allele origin: germline.

Blueprint Genetics
Classification: Likely benign. Last evaluated: 2024-11-26. Review status: criteria provided, single submitter. Criteria: ACMG Guidelines, 2015. Collection method: clinical testing. Allele origin: germline.